The following is an entry in ClinVar:

NM_002905.5(RDH5):c.689C>T (p.Pro230Leu)

Genes: BLOC1S1-RDH5 (BLOC1S1-RDH5 readthrough; plus strand), CD63 (CD63 molecule; minus strand), RDH5 (retinol dehydrogenase 5; plus strand). Cytogenetic location: 12q13.2.
Variant type: single nucleotide variant.
Coding change: c.689C>T on transcript NM_002905.5 (MANE Select); coding-DNA position 689, C replaced by T.
Protein change: p.Pro230Leu; replaces proline 230 with leucine.
Molecular consequence: missense variant. On other transcripts: non-coding transcript variant (1).
Genome position (GRCh38, 1-based): chr12:55,724,005, C>T. VCF-style: chr12-55724005-C-T. GRCh37 (hg19) VCF-style: chr12-56117789-C-T.
Other names: c.689C>T, p.Pro230Leu (NM_001199771.3); short protein forms P230L.
Identifiers: ClinVar variation 1414983 (VCV001414983.7), dbSNP rs781626721, ClinGen allele CA6616910.
Genomic context (GRCh38, chr12:55,724,005, plus strand): 5'-CCCCTGTGACCAACCTGGAGAGTCTGGAGAAAACCCTGCAGGCCTGCTGGGCACGGCTGC[C>T]TCCTGCCACACAGGCCCACTATGGGGGGGCCTTCCTCACCAAGTGTGAGTAGCCAGGCCC-3'
Protein context (NP_002896.2, residues 220-240): KTLQACWARL[Pro230Leu]PATQAHYGGA

ClinVar aggregate classification (germline): Uncertain significance. Review status: criteria provided, multiple submitters, no conflicts (2 of 4 stars). 2 submissions from 2 submitters: Uncertain significance (2). Last evaluated 2021-06-22.

Allele frequency attached by ClinVar (database versions not stated): TOPMed 0.00002; ExAC 0.00003; gnomAD 0.00003 and 0.00004; gnomAD exomes 0.00003.
gnomAD v4.1: 27 of 1,613,184 alleles (0.0017%); highest among the groups gnomAD compares: East Asian, 0.0022%; no homozygotes.

Submissions (2):

Labcorp Genetics (formerly Invitae), Labcorp
Classification: Uncertain significance. Last evaluated: 2021-06-22. Review status: criteria provided, single submitter. Criteria: Invitae Variant Classification Sherloc (09022015). Collection method: clinical testing. Allele origin: germline.
Comment: In summary, the available evidence is currently insufficient to determine the role of this variant in disease. Therefore, it has been classified as a Variant of Uncertain Significance. Algorithms developed to predict the effect of missense changes on protein structure and function are either unavailable or do not agree on the potential impact of this missense change (SIFT: "Deleterious"; PolyPhen-2: "Possibly Damaging"; Align-GVGD: "Class C15"). This variant has not been reported in the literature in individuals affected with RDH5-related conditions. This variant is present in population databases (rs781626721, ExAC 0.02%). This sequence change replaces proline with leucine at codon 230 of the RDH5 protein (p.Pro230Leu). The proline residue is highly conserved and there is a moderate physicochemical difference between proline and leucine.

Blueprint Genetics
Classification: Uncertain significance. Last evaluated: 2021-03-12. Review status: criteria provided, single submitter. Criteria: ACMG Guidelines, 2015. Collection method: clinical testing. Allele origin: germline.